The following is an entry in ClinVar:

ClinVar aggregate classification (germline): Likely benign (1 of 4 stars; one submission).

gnomAD v4.1: 4,785 of 1,600,124 alleles (0.3%); highest among the groups gnomAD compares: Non-Finnish European, 0.35%; 11 homozygotes.

Submissions (2):

CeGaT Center for Human Genetics Tuebingen
Classification: Likely benign. Last evaluated: 2024-09-01. Review status: criteria provided, single submitter. Criteria: CeGaT Center For Human Genetics Tuebingen Variant Classification Criteria Version 2. Collection method: clinical testing. Allele origin: germline. Affected: yes. Observed: 1 variant allele.
Comment: TNN: PP3, BS1

Dr. Peter K. Rogan Lab, Western University
No classification provided (evidence only). Condition: Cholangiocarcinoma. Review status: no classification provided. Collection method: in vitro. Allele origin: not applicable. Functional consequence: retained intron. Not counted in ClinVar's aggregate classification.

NM_022093.2(TNN):c.3177A>G (p.Thr1059=)

Gene: TNN (tenascin N; plus strand). Cytogenetic location: 1q25.1.
Variant type: single nucleotide variant.
Coding change: c.3177A>G on transcript NM_022093.2 (MANE Select); coding-DNA position 3177, A replaced by G.
Protein change: p.Thr1059=; no amino-acid change (threonine 1059 retained).
Molecular consequence: synonymous variant.
Genome position (GRCh38, 1-based): chr1:175,128,163, A>G. VCF-style: chr1-175128163-A-G. GRCh37 (hg19) VCF-style: chr1-175097299-A-G.
Other names: NC_000001.10:g.175097299A>G.
Identifiers: ClinVar variation 3388140 (VCV003388140.15).